The following is an entry in ClinVar:

NM_000053.4(ATP7B):c.2436T>C (p.Asn812=)

Gene: ATP7B (ATPase copper transporting beta; minus strand). Cytogenetic location: 13q14.3.
Variant type: single nucleotide variant.
Coding change: c.2436T>C on transcript NM_000053.4 (MANE Select); coding-DNA position 2436, T replaced by C.
Protein change: p.Asn812=; no amino-acid change (asparagine 812 retained).
Molecular consequence: synonymous variant.
Genome position (GRCh38, 1-based): chr13:51,957,527, A>G on the plus strand (T>C on the coding strand, the complement: ATP7B is on the minus strand). VCF-style: chr13-51957527-A-G. GRCh37 (hg19) VCF-style: chr13-52531663-A-G.
Other names: c.1950T>C, p.Asn650= (NM_001005918.3); c.2103T>C, p.Asn701= (NM_001243182.2); c.2202T>C, p.Asn734= (NM_001330578.2); c.2184T>C, p.Asn728= (NM_001330579.2).
Identifiers: ClinVar variation 758951 (VCV000758951.22), dbSNP rs533967323, ClinGen allele CA6989027.
Genomic context (GRCh38, chr13:51,957,527, plus strand): 5'-ACAGATTGATAGATACCAACCACAAAGACATTTGATAACCATAACTCACCTGATGATTAA[A>G]TTGTCCTCACCAAGGGTCACAACGGTGGCTTCTGTGGCTTGGAGAGACATGAGTTTAGCC-3'
Protein context (NP_000044.2, residues 802-822): EATVVTLGED[Asn812=]LIIREEQVPM

ClinVar aggregate classification (germline): Conflicting classifications of pathogenicity. Review status: criteria provided, conflicting classifications (1 of 4 stars). 6 submissions from 6 submitters: Uncertain significance (1); Likely benign (4). 1 of the submissions does not count toward it. Last evaluated 2025-11-12.

Conditions:
Wilson disease (WND). Also called: Wilson's disease. Identifiers: Orphanet 905, MedGen C0019202, MONDO:0010200, OMIM 277900. Disease mechanism: loss of function.

Allele frequency attached by ClinVar (database versions not stated): gnomAD exomes below 0.00001 and 0.00002; ExAC 0.00001; gnomAD 0.00001; TOPMed 0.00002.
gnomAD v4.1: 28 of 1,613,810 alleles (0.0017%); highest among the groups gnomAD compares: Middle Eastern, 0.066%; no homozygotes.

Submissions (6):

Labcorp Genetics (formerly Invitae), Labcorp
Classification: Likely benign for Wilson disease. Last evaluated: 2025-11-12. Review status: criteria provided, single submitter. Criteria: Invitae Variant Classification Sherloc (09022015). Collection method: clinical testing. Allele origin: germline.

All of Us Research Program, National Institutes of Health
Classification: Likely benign for Wilson disease. Last evaluated: 2023-05-04. Review status: criteria provided, single submitter. Criteria: ACMG Guidelines, 2015. Collection method: clinical testing. Allele origin: germline. Inheritance: Autosomal recessive inheritance. Observed: 1 variant allele, 1 heterozygote.
Comment: This study involves interpretation of variants in research participants for the purpose of population health screening. Participant phenotype was not available at the time of variant classification. Additional details can be found in publication PMID: 35346344, PMCID: PMC8962531

Color Diagnostics, LLC DBA Color Health
Classification: Likely benign for Wilson disease. Last evaluated: 2022-04-22. Review status: criteria provided, single submitter. Criteria: ACMG Guidelines, 2015. Collection method: clinical testing. Allele origin: germline.

Genome-Nilou Lab
Classification: Likely benign for Wilson disease. Last evaluated: 2021-08-10. Review status: criteria provided, single submitter. Criteria: ACMG Guidelines, 2015. Collection method: clinical testing. Allele origin: germline. Affected: no.

Illumina Laboratory Services, Illumina
Classification: Uncertain significance for Wilson disease. Last evaluated: 2018-01-13. Review status: criteria provided, single submitter. Criteria: ICSL Variant Classification Criteria 13 December 2019. Collection method: clinical testing. Allele origin: germline.

Natera, Inc.
Classification: Likely benign for Wilson disease. Last evaluated: 2020-03-26. Review status: no assertion criteria provided. Collection method: clinical testing. Allele origin: germline. Not counted in ClinVar's aggregate classification.